The following is an entry in ClinVar:

ClinVar aggregate classification (germline): Likely benign (1 of 4 stars; one submission).

Submission:

Women's Health and Genetics/Laboratory Corporation of America, LabCorp
Classification: Likely benign. Last evaluated: 2025-07-02. Review status: criteria provided, single submitter. Criteria: LabCorp Variant Classification Summary - May 2015. Collection method: clinical testing. Allele origin: germline.
Comment: Variant summary: SYN1 c.1393+11G>C alters a nucleotide located at a position not widely known to affect splicing. Consensus agreement among computation tools predict no significant impact on normal splicing. However, these predictions have yet to be confirmed by functional studies. The variant was absent in 115682 control chromosomes (gnomAD). The available data on variant occurrences in the general population are insufficient to allow any conclusion about variant significance. To our knowledge, no occurrence of c.1393+11G>C in individuals affected with SYN1-Related Disorders and no experimental evidence demonstrating its impact on protein function have been reported. No submitters have cited clinical-significance assessments for this variant to ClinVar. Based on the evidence outlined above, the variant was classified as likely benign.

NM_006950.3(SYN1):c.1393+11G>C

Gene: SYN1 (synapsin I; minus strand). Cytogenetic location: Xp11.3.
Variant type: single nucleotide variant.
Coding change: c.1393+11G>C on transcript NM_006950.3 (MANE Select); 11 bases into the intron after coding-DNA position 1393, G replaced by C.
Molecular consequence: intron variant.
Genome position (GRCh38, 1-based): chrX:47,574,677, C>G on the plus strand (G>C on the coding strand, the complement: SYN1 is on the minus strand). VCF-style: chrX-47574677-C-G. GRCh37 (hg19) VCF-style: chrX-47434076-C-G.
Other names: c.1393+11G>C (NM_133499.2).
Identifiers: ClinVar variation 3911961 (VCV003911961.2).